The following is an entry in ClinVar:

ClinVar aggregate classification (germline): Uncertain significance (1 of 4 stars; one submission).

Conditions:
Mitochondrial DNA depletion syndrome 13. Also called: FBXL4-Related Encephalomyopathic Mitochondrial DNA Depletion Syndrome; Mitochondrial DNA depletion syndrome 13 (encephalomyopathic type). Identifiers: Orphanet 369897, MedGen C3809592, MONDO:0014198, OMIM 615471.

Allele frequency attached by ClinVar (database versions not stated): gnomAD exomes below 0.00001; ExAC 0.00001.

Submission:

Wong Mito Lab, Molecular and Human Genetics, Baylor College of Medicine
Classification: Uncertain significance for Mitochondrial DNA depletion syndrome 13. Last evaluated: 2017-08-10. Review status: criteria provided, single submitter. Criteria: ACMG Guidelines, 2015. Collection method: reference population. Allele origin: germline.
Comment: The NM_012160.4:c.1115T>C (NP_036292.2:p.Val372Ala) [GRCH38: NC_000006.12:g.98899470A>G] variant in FBXL4 gene is interpretated to be a Uncertain Significance - Conflicting Evidence based on ACMG guidelines (PMID: 25741868). This variant meets one or more of the following evidence codes reported in the ACMG-guideline. PM2:This variant is absent in key population databases. BP4:Computational evidence/predictors indicate no impact on the FBXL4 structure, function, or protein-protein interaction. Based on this evidence code ClinGen Pathogenicity Calculator (PMID:28081714) suggested that the variant is Uncertain Significance - Conflicting Evidence.

NM_001278716.2(FBXL4):c.1115T>C (p.Val372Ala)

Gene: FBXL4 (F-box and leucine rich repeat protein 4; minus strand). Cytogenetic location: 6q16.1.
Variant type: single nucleotide variant.
Coding change: c.1115T>C on transcript NM_001278716.2 (MANE Select); coding-DNA position 1115, T replaced by C.
Protein change: p.Val372Ala; replaces valine 372 with alanine.
Molecular consequence: missense variant. On other transcripts: non-coding transcript variant (2).
Genome position (GRCh38, 1-based): chr6:98,899,470, A>G on the plus strand (T>C on the coding strand, the complement: FBXL4 is on the minus strand). VCF-style: chr6-98899470-A-G. GRCh37 (hg19) VCF-style: chr6-99347346-A-G.
Other names: c.1115T>C, p.Val372Ala (NM_012160.5); short protein forms V372A.
Identifiers: ClinVar variation 437697 (VCV000437697.1), dbSNP rs775001296, ClinGen allele CA3933519.